The following is an entry in ClinVar:

ClinVar aggregate classification (germline): Uncertain significance. Review status: criteria provided, multiple submitters, no conflicts (2 of 4 stars). 2 submissions from 2 submitters: Uncertain significance (2). Last evaluated 2026-05-06.

Conditions:
FANCB-related disorder. Also called: FANCB-related condition.
Inborn genetic diseases. Identifiers: MedGen C0950123, MeSH D030342.

Submissions (2):

Ambry Genetics
Classification: Uncertain significance for Inborn genetic diseases. Last evaluated: 2026-05-06. Review status: criteria provided, single submitter. Criteria: Ambry Variant Classification Scheme 2023. Collection method: clinical testing. Allele origin: germline.

PreventionGenetics, part of Exact Sciences
Classification: Uncertain significance for FANCB-related condition. Last evaluated: 2026-01-30. Review status: criteria provided, single submitter. Criteria: ACMG Guidelines, 2015. Collection method: clinical testing. Allele origin: germline.
Comment: The FANCB c.860T>C variant is predicted to result in the amino acid substitution p.Val287Ala. To our knowledge, this variant has not been reported in the literature or in a large population database (gnomAD), indicating this variant is rare. At this time, the clinical significance of this variant is uncertain due to the absence of conclusive functional and genetic evidence.

NM_001018113.3(FANCB):c.860T>C (p.Val287Ala)

Gene: FANCB (FA complementation group B; minus strand). Cytogenetic location: Xp22.2.
Variant type: single nucleotide variant.
Coding change: c.860T>C on transcript NM_001018113.3 (MANE Select); coding-DNA position 860, T replaced by C.
Protein change: p.Val287Ala; replaces valine 287 with alanine.
Molecular consequence: missense variant.
Genome position (GRCh38, 1-based): chrX:14,864,651, A>G on the plus strand (T>C on the coding strand, the complement: FANCB is on the minus strand). VCF-style: chrX-14864651-A-G. GRCh37 (hg19) VCF-style: chrX-14882773-A-G.
Other names: c.860T>C (NM_001018113.2); c.860T>C, p.Val287Ala (NM_001324162.2, NM_001410764.1, NM_152633.4); short protein forms V287A.
Identifiers: ClinVar variation 4870932 (VCV004870932.2).